The following is an entry in ClinVar:

NM_001010892.3(RSPH4A):c.843T>G (p.Tyr281Ter)

Gene: RSPH4A (radial spoke head component 4A; plus strand). Cytogenetic location: 6q22.1.
Variant type: single nucleotide variant.
Coding change: c.843T>G on transcript NM_001010892.3 (MANE Select); coding-DNA position 843, T replaced by G.
Protein change: p.Tyr281Ter; replaces tyrosine 281 with a stop codon.
Molecular consequence: nonsense.
Genome position (GRCh38, 1-based): chr6:116,622,924, T>G. VCF-style: chr6-116622924-T-G. GRCh37 (hg19) VCF-style: chr6-116944087-T-G.
Other names: c.843T>G, p.Tyr281Ter (NM_001161664.2); short protein forms Y281*.
Identifiers: ClinVar variation 4768951 (VCV004768951.1).

ClinVar aggregate classification (germline): Pathogenic (1 of 4 stars; one submission).

Conditions:
Primary ciliary dyskinesia. Also called: Ciliary dyskinesia. Identifiers: Orphanet 244, MedGen C0008780, MONDO:0016575, HP:0012265.

gnomAD v4.1: 1 of 1,613,960 alleles (0.000062%); highest among the groups gnomAD compares: Non-Finnish European, 0.000085%; no homozygotes.

Submission:

Labcorp Genetics (formerly Invitae), Labcorp
Classification: Pathogenic for Primary ciliary dyskinesia. Last evaluated: 2025-03-03. Review status: criteria provided, single submitter. Criteria: Invitae Variant Classification Sherloc (09022015). Collection method: clinical testing. Allele origin: germline.
Comment: This sequence change creates a premature translational stop signal (p.Tyr281*) in the RSPH4A gene. It is expected to result in an absent or disrupted protein product. Loss-of-function variants in RSPH4A are known to be pathogenic (PMID: 19200523). This variant is not present in population databases (gnomAD no frequency). This variant has not been reported in the literature in individuals affected with RSPH4A-related conditions. For these reasons, this variant has been classified as Pathogenic.

Literature cited by the submitters: PubMed 19200523.